The following is an entry in ClinVar:

NM_025081.3(NYNRIN):c.3119G>T (p.Arg1040Leu)

Gene: NYNRIN (NYN domain and retroviral integrase containing; plus strand). Cytogenetic location: 14q12.
Variant type: single nucleotide variant.
Coding change: c.3119G>T on transcript NM_025081.3 (MANE Select); coding-DNA position 3119, G replaced by T.
Protein change: p.Arg1040Leu; replaces arginine 1040 with leucine.
Molecular consequence: missense variant.
Genome position (GRCh38, 1-based): chr14:24,414,868, G>T. VCF-style: chr14-24414868-G-T. GRCh37 (hg19) VCF-style: chr14-24884074-G-T.
Other names: short protein forms R1040L.
Identifiers: ClinVar variation 3602682 (VCV003602682.1).
Genomic context (GRCh38, chr14:24,414,868, plus strand): 5'-ACTCTTCGCTGGCGTCAGTGTTCAGGGTGGAGTGCCCGTCCCTTTCGGAGGAGATCCTGC[G>T]GTGCCTCAGCCTCCATGATCCCCCTGATGGGGCCCTGGACATCGACCTCCTGCCAGGGGC-3'
Protein context (NP_079357.2, residues 1030-1050): ECPSLSEEIL[Arg1040Leu]CLSLHDPPDG

ClinVar aggregate classification (germline): Uncertain significance (1 of 4 stars; one submission).

Conditions:
Predisposition to Wilms tumor.

gnomAD v4.1: 1 of 1,610,402 alleles (0.000062%); highest among the groups gnomAD compares: Non-Finnish European, 0.000085%; no homozygotes.

Submission:

St. Jude Molecular Pathology, St. Jude Children's Research Hospital
Classification: Uncertain significance for Predisposition to Wilms tumor. Last evaluated: 2024-07-17. Review status: criteria provided, single submitter. Criteria: St. Jude Assertion Criteria 2020. Collection method: clinical testing. Allele origin: germline.
Comment: The NYNRIN c.3119G>T (p.Arg1040Leu) missense change is absent in gnomAD v2.1.1. The in silico tool REVEL predicts a benign effect on protein function, but this prediction has not been confirmed by functional studies. This variant has not been reported in individuals with Wilms tumor. In summary, the evidence currently available is insufficient to determine the clinical significance of this variant. It has therefore been classified as of uncertain significance.